The following is an entry in ClinVar:

NM_001012339.3(DNAJC21):c.415G>A (p.Asp139Asn)

Gene: DNAJC21 (DnaJ heat shock protein family (Hsp40) member C21; plus strand). Cytogenetic location: 5p13.2.
Variant type: single nucleotide variant.
Coding change: c.415G>A on transcript NM_001012339.3 (MANE Select); coding-DNA position 415, G replaced by A.
Protein change: p.Asp139Asn; replaces aspartic acid 139 with asparagine.
Molecular consequence: missense variant.
Genome position (GRCh38, 1-based): chr5:34,936,243, G>A. VCF-style: chr5-34936243-G-A. GRCh37 (hg19) VCF-style: chr5-34936348-G-A.
Other names: c.415G>A, p.Asp139Asn (NM_001348420.2, NM_194283.4); short protein forms D139N.
Identifiers: ClinVar variation 1427695 (VCV001427695.7), dbSNP rs755662494, ClinGen allele CA3228439.
Genomic context (GRCh38, chr5:34,936,243, plus strand): 5'-GCCAAGGAAGAACTAGAATCTGTGTTAGAGGAAGAGGTTGATGATTTCCCAACTTTTGGA[G>A]ACTCCCAGAGTGACTATGATACGGTAAAATAAAAATGCATTGTTCTATAATTAGTATTTA-3'
Protein context (NP_001012339.2, residues 129-149): EEVDDFPTFG[Asp139Asn]SQSDYDTVVH

ClinVar aggregate classification (germline): Uncertain significance (1 of 4 stars; one submission).

Allele frequency attached by ClinVar (database versions not stated): TOPMed 0.00001; gnomAD exomes 0.00002 and 0.00004; ExAC 0.00003.
gnomAD v4.1: 9 of 1,613,574 alleles (0.00056%); highest among the groups gnomAD compares: Admixed American, 0.015%; no homozygotes.

Submission:

Labcorp Genetics (formerly Invitae), Labcorp
Classification: Uncertain significance. Last evaluated: 2025-09-02. Review status: criteria provided, single submitter. Criteria: Invitae Variant Classification Sherloc (09022015). Collection method: clinical testing. Allele origin: germline.
Comment: This sequence change replaces aspartic acid, which is acidic and polar, with asparagine, which is neutral and polar, at codon 139 of the DNAJC21 protein (p.Asp139Asn). This variant is present in population databases (rs755662494, gnomAD 0.03%). This variant has not been reported in the literature in individuals affected with DNAJC21-related conditions. ClinVar contains an entry for this variant (Variation ID: 1427695). An algorithm developed to predict the effect of missense changes on protein structure and function (PolyPhen-2) suggests that this variant is likely to be tolerated. In summary, the available evidence is currently insufficient to determine the role of this variant in disease. Therefore, it has been classified as a Variant of Uncertain Significance.